The following is an entry in ClinVar:

NM_001018005.1(TPM1):c.-264G>A

Gene: TPM1 (tropomyosin 1; plus strand). Cytogenetic location: 15q22.2.
Variant type: single nucleotide variant.
Coding change: c.-264G>A on transcript NM_001018005.1; 264 bases upstream of the start codon, G replaced by A.
Genome position (GRCh38, 1-based): chr15:63,042,566, G>A. VCF-style: chr15-63042566-G-A. GRCh37 (hg19) VCF-style: chr15-63334765-G-A.
Identifiers: ClinVar variation 674393 (VCV000674393.4), dbSNP rs528589173, ClinGen allele CA272019878.

ClinVar aggregate classification (germline): Likely benign. Review status: criteria provided, multiple submitters, no conflicts (2 of 4 stars). 2 submissions from 2 submitters: Likely benign (2). Last evaluated 2018-06-19.

Allele frequency attached by ClinVar (database versions not stated): gnomAD 0.01178 and 0.01112; 1000 Genomes Project 30x 0.00344; 1000 Genomes Project 0.00100.

Submissions (2):

GeneDx
Classification: Likely benign. Last evaluated: 2018-06-19. Review status: criteria provided, single submitter. Criteria: GeneDx Variant Classification (06012015). Collection method: clinical testing. Allele origin: germline. Affected: yes.
Comment: This variant is considered likely benign or benign based on one or more of the following criteria: it is a conservative change, it occurs at a poorly conserved position in the protein, it is predicted to be benign by multiple in silico algorithms, and/or has population frequency not consistent with disease.

Breakthrough Genomics
Classification: Likely benign. Review status: criteria provided, single submitter. Criteria: ACMG Guidelines, 2015. Collection method: not provided. Allele origin: germline. Inheritance: Autosomal dominant inheritance. Affected: yes.